The following is an entry in ClinVar:

ClinVar aggregate classification (germline): Pathogenic (1 of 4 stars; one submission).

Submission:

GeneDx
Classification: Pathogenic. Last evaluated: 2023-08-29. Review status: criteria provided, single submitter. Criteria: GeneDx Variant Classification Process June 2021. Collection method: clinical testing. Allele origin: germline. Affected: yes.
Comment: Frameshift variant predicted to result in protein truncation or nonsense mediated decay in a gene for which loss of function is a known mechanism of disease; Not observed at significant frequency in large population cohorts (gnomAD); This variant is associated with the following publications: (PMID: 31766501)

NM_001042492.3(NF1):c.4416del (p.Phe1472fs)

Gene: NF1 (neurofibromin 1; plus strand). Cytogenetic location: 17q11.2.
Variant type: Deletion.
Coding change: c.4416del on transcript NM_001042492.3 (MANE Select); coding-DNA position 4416, one base deleted (T; older notation c.4416delT).
Protein change: p.Phe1472fs; shifts the reading frame from phenylalanine 1472.
Molecular consequence: frameshift variant.
Genome position (GRCh38, 1-based): chr17:31,259,115, T deleted; the last of 3 consecutive T bases (chr17:31,259,113-31,259,115); deleting any one gives the same sequence. VCF-style (leftmost placement, unchanged base first): chr17-31259112-CT-C. GRCh37 (hg19) VCF-style: chr17-29586130-CT-C.
Other names: c.4353delT, p.Phe1451Leufs (NM_000267.4); short protein forms F1451fs, F1472fs.
Identifiers: ClinVar variation 3253031 (VCV003253031.1), dbSNP rs2508414223.
Genomic context (GRCh38, chr17:31,259,112, plus strand): 5'-TCATGTTCTCTTCACAAAAGAAGAACATATGCGGCCTTTCAATGATTTTGTGAAAAGCAA[CT>C]TTGATGCAGCACGCAGGTAATTTTCTTGCCACTTACTCAGTTGCTCTGTTTGAATCAAAT-3'